The following is an entry in ClinVar:

NM_006329.4(FBLN5):c.989+138GT[18]

Gene: FBLN5 (fibulin 5; minus strand). Cytogenetic location: 14q32.12.
Variant type: Microsatellite.
Coding change: c.989+138GT[18] on transcript NM_006329.4 (MANE Select); 18 copies in a row of the 2-base unit GT starting at c.989+138; the reference has 17 copies in a row; one copy, 2 bases duplicated.
Molecular consequence: intron variant.
Genome position (GRCh38, 1-based): chr14:91,881,121-91,881,122, AC duplicated on the plus strand (GT on the coding strand, the reverse complement: FBLN5 is on the minus strand); duplicating any 2 consecutive bases within chr14:91,881,121-91,881,154 gives the same sequence; the position shown is the placement nearest the transcript's 3' end. VCF-style (leftmost placement, unchanged base first): chr14-91881120-T-TAC. GRCh37 (hg19) VCF-style: chr14-92347464-T-TAC.
Other names: c.989+138GT[18] (NM_001384160.1); c.1112+138GT[18] (NM_001384158.1); c.821+138GT[18] (NM_001384162.1, NM_001384161.1); c.1040+138GT[18] (NM_001384159.1).
Identifiers: ClinVar variation 2412998 (VCV002412998.2), dbSNP rs200128392, ClinGen allele CA615753002.
Genomic context (GRCh38, chr14:91,881,120, plus strand): 5'-GCAATGTACTCTGATATTTTCTATTCCAGTCTGTTCTATCTATTCTACTCTGTTCTATTC[T>TAC]ACACACACACACACACACACACACACACACACACGCATGAGCACATGACGTAGGTAGTAG-3'

ClinVar aggregate classification (germline): Likely benign (1 of 4 stars; one submission).

Submission:

GeneDx
Classification: Likely benign. Last evaluated: 2020-09-18. Review status: criteria provided, single submitter. Criteria: GeneDx Variant Classification Process June 2021. Collection method: clinical testing. Allele origin: germline. Affected: yes.
Comment: See Variant Classification Assertion Criteria.